The following is an entry in ClinVar:

NM_000094.4(COL7A1):c.7068+2T>G

Gene: COL7A1 (collagen type VII alpha 1 chain; minus strand). Cytogenetic location: 3p21.31.
Variant type: single nucleotide variant.
Coding change: c.7068+2T>G on transcript NM_000094.4 (MANE Select); the canonical splice donor site of the intron after coding-DNA position 7068, T replaced by G.
Molecular consequence: splice donor variant.
Genome position (GRCh38, 1-based): chr3:48,571,999, A>C on the plus strand (T>G on the coding strand, the complement: COL7A1 is on the minus strand). VCF-style: chr3-48571999-A-C. GRCh37 (hg19) VCF-style: chr3-48609432-A-C.
Identifiers: ClinVar variation 1519045 (VCV001519045.8), dbSNP rs2107654130, ClinGen allele CA352652050.

ClinVar aggregate classification (germline): Likely pathogenic (1 of 4 stars; one submission).

Submission:

Labcorp Genetics (formerly Invitae), Labcorp
Classification: Likely pathogenic. Last evaluated: 2021-02-25. Review status: criteria provided, single submitter. Criteria: Invitae Variant Classification Sherloc (09022015). Collection method: clinical testing. Allele origin: germline.
Comment: In summary, the currently available evidence indicates that the variant is pathogenic, but additional data are needed to prove that conclusively. Therefore, this variant has been classified as Likely Pathogenic. Algorithms developed to predict the effect of sequence changes on RNA splicing suggest that this variant may disrupt the consensus splice site, but this prediction has not been confirmed by published transcriptional studies. This variant has not been reported in the literature in individuals with COL7A1-related conditions. This variant is not present in population databases (ExAC no frequency). This sequence change affects a donor splice site in intron 91 of the COL7A1 gene. It is expected to disrupt RNA splicing. Variants that disrupt the donor or acceptor splice site typically lead to a loss of protein function (PMID: 16199547), and loss-of-function variants in COL7A1 are known to be pathogenic (PMID: 16971478).

Literature cited by the submitters: PubMed 16199547; PubMed 16971478.